The following is an entry in ClinVar:

ClinVar aggregate classification (germline): Uncertain significance (1 of 4 stars; one submission).

Conditions:
Cardiovascular phenotype. Identifiers: MedGen CN230736.

Allele frequency attached by ClinVar (database versions not stated): gnomAD 0.00001; TOPMed 0.00002; gnomAD exomes 0.00006.
gnomAD v4.1: 82 of 1,516,508 alleles (0.0054%); highest among the groups gnomAD compares: Non-Finnish European, 0.0069%; no homozygotes.

Submission:

Ambry Genetics
Classification: Uncertain significance for Cardiovascular phenotype. Last evaluated: 2023-05-11. Review status: criteria provided, single submitter. Criteria: Ambry Variant Classification Scheme 2023. Collection method: clinical testing. Allele origin: germline.
Comment: The p.Q219E variant (also known as c.655C>G), located in coding exon 3 of the APOE gene, results from a C to G substitution at nucleotide position 655. The glutamine at codon 219 is replaced by glutamic acid, an amino acid with highly similar properties. This amino acid position is conserved. In addition, this alteration is predicted to be tolerated by in silico analysis. Since supporting evidence is limited at this time, the clinical significance of this alteration remains unclear.

NM_000041.4(APOE):c.655C>G (p.Gln219Glu)

Gene: APOE (apolipoprotein E; plus strand). Cytogenetic location: 19q13.32.
Variant type: single nucleotide variant.
Coding change: c.655C>G on transcript NM_000041.4 (MANE Select); coding-DNA position 655, C replaced by G.
Protein change: p.Gln219Glu; replaces glutamine 219 with glutamic acid.
Molecular consequence: missense variant.
Genome position (GRCh38, 1-based): chr19:44,908,951, C>G. VCF-style: chr19-44908951-C-G. GRCh37 (hg19) VCF-style: chr19-45412208-C-G.
Other names: c.733C>G, p.Gln245Glu (NM_001302688.2); c.655C>G, p.Gln219Glu (NM_001302689.2, NM_001302690.2, NM_001302691.2); short protein forms Q245E, Q219E.
Identifiers: ClinVar variation 2565618 (VCV002565618.2), dbSNP rs941248161, ClinGen allele CA308885934.